The following is an entry in ClinVar:

ClinVar aggregate classification (germline): Pathogenic. Review status: criteria provided, multiple submitters, no conflicts (2 of 4 stars). 2 submissions from 2 submitters: Pathogenic (2). Last evaluated 2024-07-21.

Conditions:
Hereditary angioedema type 1 (HAE1). Identifiers: Orphanet 100050, Orphanet 100051, Orphanet 91378, MedGen C2717906, MONDO:0015053, OMIM 106100.
C1 inhibitor deficiency. Identifiers: MedGen C1852700, MONDO:0007361, OMIM 120790.

Submissions (2):

DNA-diagnostics Laboratory, Research Centre For Medical Genetics
Classification: Pathogenic for Hereditary angioedema type 1. Last evaluated: 2024-07-21. Review status: criteria provided, single submitter. Criteria: ACMG Guidelines, 2015. Collection method: research. Allele origin: germline. Inheritance: Autosomal dominant inheritance. Affected: yes. Observed: 2 variant alleles, 2 heterozygotes.
Comment: According to our observation and published information (Blanch et al., 2002, Ponard et all, 2020) the c.1450C>T variant in SERPING1 meets ACMG/ClinGen SVI guidance criteria to be classified as pathogenic: PVS1_Mod, PP4_Mod, PS4_Mod, PM2_Sup

Center for Genomics, Ann and Robert H. Lurie Children's Hospital of Chicago
Classification: Pathogenic for Hereditary angioedema type 1; C1 inhibitor deficiency. Review status: criteria provided, single submitter. Criteria: ACMG Guidelines, 2015. Collection method: clinical testing. Allele origin: germline.
Comment: SERPING1 NM_000062.2 exon 8 p.Gln484*(c.1450C>T):This variant has been reported in the literature in association to hereditary angioedema type I (Siddique 1992 PMID:1339401). This variant is not present in large control databases. Evolutionary conservation and computational predictive tools for this variant are limited or unavailable. This variant creates a premature stop at this codon which results in an absent or abnormal protein. Multiple different variant types, including loss of function have been reported in association to disease (Banday 2020 PMID:3218278). Of note, this variant occurs within the last exon of this gene; due to its position, it is possible that this protein may escape nonsense mediated decay. Further studies are needed to understand its impact. A review of reported variants has identified variants including loss of function, downstream of this location in association with disease(e.g. p.Lys487*, p.Tyr496*). In summary, this variant is classified as pathogenic.

Literature cited by the submitters: DOI 10.1002/humu.9073 (cited by DNA-diagnostics Laboratory, Research Centre For Medical Genetics); DOI 10.1002/humu.23917 (cited by DNA-diagnostics Laboratory, Research Centre For Medical Genetics).

NM_000062.3(SERPING1):c.1450C>T (p.Gln484Ter)

Gene: SERPING1 (serpin family G member 1; plus strand). Cytogenetic location: 11q12.1.
Variant type: single nucleotide variant.
Coding change: c.1450C>T on transcript NM_000062.3 (MANE Select); coding-DNA position 1450, C replaced by T.
Protein change: p.Gln484Ter; replaces glutamine 484 with a stop codon.
Molecular consequence: nonsense.
Genome position (GRCh38, 1-based): chr11:57,614,528, C>T. VCF-style: chr11-57614528-C-T. GRCh37 (hg19) VCF-style: chr11-57382001-C-T.
Other names: c.1450C>T, p.Gln484Ter (NM_001032295.2); short protein forms Q484*.
Identifiers: ClinVar variation 1675130 (VCV001675130.4), dbSNP rs2135328243, ClinGen allele CA380690859.
Genomic context (GRCh38, chr11:57,614,528, plus strand): 5'-GTGGCCCGCACCCTGCTGGTCTTTGAAGTGCAGCAGCCCTTCCTCTTCGTGCTCTGGGAC[C>T]AGCAGCACAAGTTCCCTGTCTTCATGGGGCGAGTATATGACCCCAGGGCCTGAGACCTGC-3'